The following is an entry in ClinVar:

NM_152641.4(ARID2):c.4731G>T (p.Lys1577Asn)

Gene: ARID2 (AT-rich interaction domain 2; plus strand). Cytogenetic location: 12q12.
Variant type: single nucleotide variant.
Coding change: c.4731G>T on transcript NM_152641.4 (MANE Select); coding-DNA position 4731, G replaced by T.
Protein change: p.Lys1577Asn; replaces lysine 1577 with asparagine.
Molecular consequence: missense variant.
Genome position (GRCh38, 1-based): chr12:45,852,854, G>T. VCF-style: chr12-45852854-G-T. GRCh37 (hg19) VCF-style: chr12-46246637-G-T.
Other names: c.4731G>T, p.Lys1577Asn (NM_001347839.2); short protein forms K1577N.
Identifiers: ClinVar variation 1709357 (VCV001709357.2), dbSNP rs1049630457, ClinGen allele CA236400994.
Genomic context (GRCh38, chr12:45,852,854, plus strand): 5'-AGCAGGAGCAGATCCAAGCACTGTAGCTAAAGTAGCAATAGAAAGTGCTGTTCAGCAAAA[G>T]CAACAGCATCCACCAACATATGTACAGAATGTGGTCCCGCAGGTAAGTTATTCCATGATC-3'
Protein context (NP_689854.2, residues 1567-1587): KVAIESAVQQ[Lys1577Asn]QQHPPTYVQN

ClinVar aggregate classification (germline): Uncertain significance (1 of 4 stars; one submission).

Conditions:
Coffin-Siris syndrome 6. Identifiers: MedGen C4540499, MONDO:0033492, OMIM 617808.

Allele frequency attached by ClinVar (database versions not stated): gnomAD 0.00001; TOPMed 0.00003.
gnomAD v4.1: 2 of 1,610,594 alleles (0.00012%); highest among the groups gnomAD compares: African/African-American, 0.0027%; no homozygotes.

Submission:

MGZ Medical Genetics Center
Classification: Uncertain significance for Coffin-Siris syndrome 6. Last evaluated: 2022-05-04. Review status: criteria provided, single submitter. Criteria: ACMG Guidelines, 2015. Collection method: clinical testing. Allele origin: germline. Affected: yes. Observed: 1 variant allele.
Comment: ACMG criteria applied: PM2_SUP, BP4